The following is an entry in ClinVar:

NM_033380.3(COL4A5):c.3943-17T>G

Gene: COL4A5 (collagen type IV alpha 5 chain; plus strand). Cytogenetic location: Xq22.3.
Variant type: single nucleotide variant.
Coding change: c.3943-17T>G on transcript NM_033380.3 (MANE Select); 17 bases into the intron before coding-DNA position 3943, T replaced by G.
Molecular consequence: intron variant.
Genome position (GRCh38, 1-based): chrX:108,680,662, T>G. VCF-style: chrX-108680662-T-G. GRCh37 (hg19) VCF-style: chrX-107923892-T-G.
Other names: c.3925-17T>G (NM_000495.5, NM_000495.4).
Identifiers: ClinVar variation 1164320 (VCV001164320.12), dbSNP rs200247683, ClinGen allele CA10489250.

ClinVar aggregate classification (germline): Benign. Review status: criteria provided, multiple submitters, no conflicts (2 of 4 stars). 3 submissions from 3 submitters: Benign (2). 1 of the submissions does not count toward it. Last evaluated 2025-06-12.

Conditions:
COL4A5-related disorder. Also called: COL4A5-related condition.

Allele frequency attached by ClinVar (database versions not stated): gnomAD exomes 0.00004 and 0.00001; TOPMed 0.00010; gnomAD 0.00014 and 0.00012; 1000 Genomes Project 30x 0.00042; ExAC 0.00001; 1000 Genomes Project 0.00026.
gnomAD v4.1: 29 of 1,198,331 alleles (0.0024%); highest among the groups gnomAD compares: African/African-American, 0.044%; no homozygotes.

Submissions (3):

Labcorp Genetics (formerly Invitae), Labcorp
Classification: Benign. Last evaluated: 2025-06-12. Review status: criteria provided, single submitter. Criteria: Invitae Variant Classification Sherloc (09022015). Collection method: clinical testing. Allele origin: germline.

Breakthrough Genomics
Classification: Benign. Review status: criteria provided, single submitter. Criteria: ACMG Guidelines, 2015. Collection method: not provided. Allele origin: germline. Inheritance: X-linked inheritance. Affected: yes.

PreventionGenetics, part of Exact Sciences
Classification: Likely benign for COL4A5-related condition. Last evaluated: 2023-04-05. Review status: no assertion criteria provided. Collection method: clinical testing. Allele origin: germline. Not counted in ClinVar's aggregate classification.
Comment: This variant is classified as likely benign based on ACMG/AMP sequence variant interpretation guidelines (Richards et al. 2015 PMID: 25741868, with internal and published modifications).